The following is an entry in ClinVar:

ClinVar aggregate classification (germline): Uncertain significance. Review status: criteria provided, multiple submitters, no conflicts (2 of 4 stars). 2 submissions from 2 submitters: Uncertain significance (2). Last evaluated 2025-05-18.

Conditions:
Autosomal dominant hypocalcemia 1 (HYPOC1). Also called: HYPOCALCEMIA, FAMILIAL. Identifiers: MedGen C3715128, MONDO:0011013, OMIM 601198.
Familial hypocalciuric hypercalcemia (FHH). Also called: Familial benign hypercalcemia. Identifiers: Orphanet 405, MedGen C1809471, MONDO:0018458.
Neonatal severe primary hyperparathyroidism. Identifiers: Orphanet 417, MedGen C1832615, MONDO:0009397, OMIM 239200.

Submissions (2):

Labcorp Genetics (formerly Invitae), Labcorp
Classification: Uncertain significance for Familial hypocalciuric hypercalcemia; Autosomal dominant hypocalcemia 1. Last evaluated: 2025-05-18. Review status: criteria provided, single submitter. Criteria: Invitae Variant Classification Sherloc (09022015). Collection method: clinical testing. Allele origin: germline.
Comment: This sequence change replaces isoleucine, which is neutral and non-polar, with asparagine, which is neutral and polar, at codon 857 of the CASR protein (p.Ile857Asn). This variant is not present in population databases (gnomAD no frequency). This variant has not been reported in the literature in individuals affected with CASR-related conditions. ClinVar contains an entry for this variant (Variation ID: 1033006). An algorithm developed to predict the effect of missense changes on protein structure and function (PolyPhen-2) suggests that this variant is likely to be tolerated. In summary, the available evidence is currently insufficient to determine the role of this variant in disease. Therefore, it has been classified as a Variant of Uncertain Significance.

Baylor Genetics
Classification: Uncertain significance for Neonatal severe primary hyperparathyroidism. Last evaluated: 2018-07-30. Review status: criteria provided, single submitter. Criteria: ACMG Guidelines, 2015. Collection method: clinical testing. Allele origin: paternal. Affected: yes.
Comment: This variant was determined to be of uncertain significance according to ACMG Guidelines, 2015 [PMID:25741868].

NM_000388.4(CASR):c.2570T>A (p.Ile857Asn)

Gene: CASR (calcium sensing receptor; plus strand). Cytogenetic location: 3q21.1.
Variant type: single nucleotide variant.
Coding change: c.2570T>A on transcript NM_000388.4 (MANE Select); coding-DNA position 2570, T replaced by A.
Protein change: p.Ile857Asn; replaces isoleucine 857 with asparagine.
Molecular consequence: missense variant.
Genome position (GRCh38, 1-based): chr3:122,284,524, T>A. VCF-style: chr3-122284524-T-A. GRCh37 (hg19) VCF-style: chr3-122003371-T-A.
Other names: c.2600T>A, p.Ile867Asn (NM_001178065.2); short protein forms I857N, I867N.
Identifiers: ClinVar variation 1033006 (VCV001033006.9), dbSNP rs766445416, ClinGen allele CA354160313.